The following is an entry in ClinVar:

NM_004863.4(SPTLC2):c.761G>C (p.Cys254Ser)

Gene: SPTLC2 (serine palmitoyltransferase long chain base subunit 2; minus strand). Cytogenetic location: 14q24.3.
Variant type: single nucleotide variant.
Coding change: c.761G>C on transcript NM_004863.4 (MANE Select); coding-DNA position 761, G replaced by C.
Protein change: p.Cys254Ser; replaces cysteine 254 with serine.
Molecular consequence: missense variant.
Genome position (GRCh38, 1-based): chr14:77,562,485, C>G on the plus strand (G>C on the coding strand, the complement: SPTLC2 is on the minus strand). VCF-style: chr14-77562485-C-G. GRCh37 (hg19) VCF-style: chr14-78028828-C-G.
Other names: short protein forms C254S.
Identifiers: ClinVar variation 314674 (VCV000314674.16), dbSNP rs572378641, ClinGen allele CA7289361.

ClinVar aggregate classification (germline): Benign/Likely benign. Review status: criteria provided, multiple submitters, no conflicts (2 of 4 stars). 4 submissions from 4 submitters: Benign (1); Likely benign (2). 1 of the submissions does not count toward it. Last evaluated 2025-06-22.

Conditions:
SPTLC2-related disorder. Also called: SPTLC2-related condition.
Neuropathy, hereditary sensory and autonomic, type 1C. Also called: HSAN IC; HSN IC. Identifiers: Orphanet 36386, MedGen C3150896, MONDO:0013337, OMIM 613640.

Allele frequency attached by ClinVar (database versions not stated): gnomAD below 0.00001 and 0.00014; TOPMed 0.00002; gnomAD exomes 0.00013 and 0.00030; 1000 Genomes Project 30x 0.00031; ExAC 0.00032; 1000 Genomes Project 0.00040.
gnomAD v4.1: 216 of 1,613,776 alleles (0.013%); highest among the groups gnomAD compares: South Asian, 0.23%; no homozygotes.

Submissions (4):

Labcorp Genetics (formerly Invitae), Labcorp
Classification: Likely benign for Neuropathy, hereditary sensory and autonomic, type 1C. Last evaluated: 2025-06-22. Review status: criteria provided, single submitter. Criteria: Invitae Variant Classification Sherloc (09022015). Collection method: clinical testing. Allele origin: germline.

ARUP Laboratories, Molecular Genetics and Genomics, ARUP Laboratories
Classification: Likely benign for Neuropathy, hereditary sensory and autonomic, type 1C. Last evaluated: 2021-11-26. Review status: criteria provided, single submitter. Criteria: ARUP Molecular Germline Variant Investigation Process 2021. Collection method: clinical testing. Allele origin: germline.

Illumina Laboratory Services, Illumina
Classification: Benign for Neuropathy, hereditary sensory and autonomic, type 1C. Last evaluated: 2018-01-13. Review status: criteria provided, single submitter. Criteria: ICSL Variant Classification Criteria 13 December 2019. Collection method: clinical testing. Allele origin: germline.
Comment: This variant was observed in the ICSL laboratory as part of a predisposition screen in an ostensibly healthy population. It had not been previously curated by ICSL or reported in the Human Gene Mutation Database (HGMD: prior to June 1st, 2018), and was therefore a candidate for classification through an automated scoring system. Utilizing variant allele frequency, disease prevalence and penetrance estimates, and inheritance mode, an automated score was calculated to assess if this variant is too frequent to cause the disease. Based on the score and internal cut-off values, a variant classified as benign is not then subjected to further curation. The score for this variant resulted in a classification of benign for this disease.

PreventionGenetics, part of Exact Sciences
Classification: Likely benign for SPTLC2-related condition. Last evaluated: 2019-05-07. Review status: no assertion criteria provided. Collection method: clinical testing. Allele origin: germline. Not counted in ClinVar's aggregate classification.
Comment: This variant is classified as likely benign based on ACMG/AMP sequence variant interpretation guidelines (Richards et al. 2015 PMID: 25741868, with internal and published modifications).